The following is an entry in ClinVar:

ClinVar aggregate classification (germline): Uncertain significance. Review status: criteria provided, multiple submitters, no conflicts (2 of 4 stars). 2 submissions from 2 submitters: Uncertain significance (2). Last evaluated 2025-06-09.

Conditions:
Hereditary cancer-predisposing syndrome. Also called: Neoplastic Syndromes, Hereditary; Tumor predisposition; Hereditary neoplastic syndrome; Hereditary Cancer Syndrome. Identifiers: Orphanet 140162, MedGen C0027672, MeSH D009386, MONDO:0015356.
Tuberous sclerosis 2 (TSC2). Identifiers: Orphanet 805, MedGen C1860707, MONDO:0013199, OMIM 613254.

Submissions (2):

Ambry Genetics
Classification: Uncertain significance for Hereditary cancer-predisposing syndrome. Last evaluated: 2025-06-09. Review status: criteria provided, single submitter. Criteria: Ambry Variant Classification Scheme 2023. Collection method: clinical testing. Allele origin: germline.
Comment: The c.1995_1997delTCC variant (also known as p.P666del) is located in coding exon 18 of the TSC2 gene. This variant results from an in-frame TCC deletion at nucleotide positions 1995 to 1997. This results in the in-frame deletion of a proline at codon 666. This amino acid position is highly conserved in available vertebrate species. In addition, the in silico prediction for this variant is inconclusive (Choi Y et al. PLoS ONE. 2012; 7(10):e46688). Based on the available evidence, the clinical significance of this variant remains unclear.

Labcorp Genetics (formerly Invitae), Labcorp
Classification: Uncertain significance for Tuberous sclerosis 2. Last evaluated: 2025-02-02. Review status: criteria provided, single submitter. Criteria: Invitae Variant Classification Sherloc (09022015). Collection method: clinical testing. Allele origin: germline.
Comment: This variant, c.1995_1997del, results in the deletion of 1 amino acid(s) of the TSC2 protein (p.Pro666del), but otherwise preserves the integrity of the reading frame. This variant is not present in population databases (gnomAD no frequency). This variant has not been reported in the literature in individuals affected with TSC2-related conditions. Experimental studies and prediction algorithms are not available or were not evaluated, and the functional significance of this variant is currently unknown. In summary, the available evidence is currently insufficient to determine the role of this variant in disease. Therefore, it has been classified as a Variant of Uncertain Significance.

NM_000548.5(TSC2):c.1992TCC[1] (p.Pro666del)

Gene: TSC2 (TSC complex subunit 2; plus strand). Cytogenetic location: 16p13.3.
Variant type: Microsatellite.
Coding change: c.1992TCC[1] on transcript NM_000548.5 (MANE Select); one copy of the 3-base unit TCC starting at c.1992; the reference has two copies in a row; one copy, 3 bases deleted.
Protein change: p.Pro666del; deletes proline 666.
Molecular consequence: inframe deletion. On other transcripts: inframe indel (33).
Genome position (GRCh38, 1-based): chr16:2,071,832-2,071,834, TCC deleted; deleting any 3 consecutive bases within chr16:2,071,828-2,071,834 gives the same sequence; the position shown is the placement nearest the transcript's 3' end. VCF-style (leftmost placement, unchanged base first): chr16-2071827-TCTC-T. GRCh37 (hg19) VCF-style: chr16-2121828-TCTC-T.
Other names: c.1995_1997delTCC (NM_000548.3); c.1992_1994TCC[1], p.Pro666del (NM_000548.3, NM_001406663.1, NM_001406664.1 and 1 more transcripts); c.1992TCC[1], p.Pro666del (NM_001077183.3, NM_001114382.3, NM_001363528.2 and 3 more transcripts); c.1881TCC[1], p.Pro629del (NM_001318827.2); c.1845TCC[1], p.Pro617del (NM_001318829.2); c.1392TCC[1], p.Pro466del (NM_001318831.2); c.2025TCC[1], p.Pro677del (NM_001318832.2); c.2082_2084TCC[1], p.Pro696del (NM_001406667.1, NM_001406668.1); and 8 more; short protein forms P466del, P666del, P132del, P512del, P629del, P677del, P218del, P662del.
Identifiers: ClinVar variation 1913082 (VCV001913082.6), dbSNP rs2543698598, ClinGen allele CA2580612747.